The following is an entry in ClinVar:

NM_022124.6(CDH23):c.1325G>A (p.Gly442Asp)

Gene: CDH23 (cadherin related 23; plus strand). Cytogenetic location: 10q22.1.
Variant type: single nucleotide variant.
Coding change: c.1325G>A on transcript NM_022124.6 (MANE Select); coding-DNA position 1325, G replaced by A.
Protein change: p.Gly442Asp; replaces glycine 442 with aspartic acid.
Molecular consequence: missense variant.
Genome position (GRCh38, 1-based): chr10:71,646,493, G>A. VCF-style: chr10-71646493-G-A. GRCh37 (hg19) VCF-style: chr10-73406250-G-A.
Other names: c.1325G>A, p.Gly442Asp (NM_001171930.2, NM_001171931.2, NM_052836.4); short protein forms G442D.
Identifiers: ClinVar variation 1398223 (VCV001398223.5), dbSNP rs774087917, ClinGen allele CA5543777.

ClinVar aggregate classification (germline): Uncertain significance (1 of 4 stars; one submission).

Allele frequency attached by ClinVar (database versions not stated): ExAC 0.00001; gnomAD 0.00002; gnomAD exomes 0.00002; TOPMed 0.00002.
gnomAD v4.1: 7 of 1,613,724 alleles (0.00043%); highest among the groups gnomAD compares: East Asian, 0.013%; no homozygotes.

Submission:

Labcorp Genetics (formerly Invitae), Labcorp
Classification: Uncertain significance. Last evaluated: 2022-06-04. Review status: criteria provided, single submitter. Criteria: Invitae Variant Classification Sherloc (09022015). Collection method: clinical testing. Allele origin: germline.
Comment: This sequence change replaces glycine, which is neutral and non-polar, with aspartic acid, which is acidic and polar, at codon 442 of the CDH23 protein (p.Gly442Asp). This variant is present in population databases (rs774087917, gnomAD 0.04%). This variant has not been reported in the literature in individuals affected with CDH23-related conditions. ClinVar contains an entry for this variant (Variation ID: 1398223). Algorithms developed to predict the effect of missense changes on protein structure and function are either unavailable or do not agree on the potential impact of this missense change (SIFT: "Deleterious"; PolyPhen-2: "Not Available"; Align-GVGD: "Class C65"). In summary, the available evidence is currently insufficient to determine the role of this variant in disease. Therefore, it has been classified as a Variant of Uncertain Significance.